The following is an entry in ClinVar:

NM_003738.5(PTCH2):c.101T>C (p.Leu34Pro)

Gene: PTCH2 (patched 2; minus strand). Cytogenetic location: 1p34.1.
Variant type: single nucleotide variant.
Coding change: c.101T>C on transcript NM_003738.5 (MANE Select); coding-DNA position 101, T replaced by C.
Protein change: p.Leu34Pro; replaces leucine 34 with proline.
Molecular consequence: missense variant.
Genome position (GRCh38, 1-based): chr1:44,842,011, A>G on the plus strand (T>C on the coding strand, the complement: PTCH2 is on the minus strand). VCF-style: chr1-44842011-A-G. GRCh37 (hg19) VCF-style: chr1-45307683-A-G.
Other names: c.101T>C, p.Leu34Pro (NM_001166292.2); short protein forms L34P.
Identifiers: ClinVar variation 2069723 (VCV002069723.4), dbSNP rs1653967874, ClinGen allele CA340110978.

ClinVar aggregate classification (germline): Uncertain significance (1 of 4 stars; one submission).

Conditions:
Gorlin syndrome. Also called: Basal cell nevus syndrome; Nevoid Basal Cell Carcinoma Syndrome. Identifiers: Orphanet 377, MedGen C0004779, MONDO:0007187.

Allele frequency attached by ClinVar (database versions not stated): gnomAD exomes below 0.00001.

Submission:

Labcorp Genetics (formerly Invitae), Labcorp
Classification: Uncertain significance for Gorlin syndrome. Last evaluated: 2022-01-18. Review status: criteria provided, single submitter. Criteria: Invitae Variant Classification Sherloc (09022015). Collection method: clinical testing. Allele origin: germline.
Comment: This variant has not been reported in the literature in individuals affected with PTCH2-related conditions. This variant is not present in population databases (gnomAD no frequency). This sequence change replaces leucine, which is neutral and non-polar, with proline, which is neutral and non-polar, at codon 34 of the PTCH2 protein (p.Leu34Pro). Algorithms developed to predict the effect of missense changes on protein structure and function are either unavailable or do not agree on the potential impact of this missense change (SIFT: "Deleterious"; PolyPhen-2: "Probably Damaging"; Align-GVGD: "Class C0"). In summary, the available evidence is currently insufficient to determine the role of this variant in disease. Therefore, it has been classified as a Variant of Uncertain Significance.